The following is an entry in ClinVar:

ClinVar aggregate classification (germline): Likely benign. Review status: criteria provided, multiple submitters, no conflicts (2 of 4 stars). 2 submissions from 2 submitters: Likely benign (2). Last evaluated 2025-12-29.

Conditions:
Hereditary sensory and autonomic neuropathy type 6. Also called: HSAN VI; Neuropathy, hereditary sensory and autonomic, type VI. Identifiers: Orphanet 314381, MedGen C3539003, MONDO:0013839, OMIM 614653.
Epidermolysis bullosa simplex 3, localized or generalized intermediate, with BP230 deficiency (EBS3). Also called: Epidermolysis bullosa simplex, autosomal recessive 2; Epidermolysis bullosa simplex due to BP230 deficiency. Identifiers: Orphanet 412181, MedGen C3809470, MONDO:0014180, OMIM 615425.
DST-related disorder. Also called: DST-related condition; DST-related disorders.

Allele frequency attached by ClinVar (database versions not stated): gnomAD 0.00003 and 0.00004; TOPMed 0.00004; ExAC 0.00006; gnomAD exomes 0.00006.
gnomAD v4.1: 144 of 1,613,524 alleles (0.0089%); highest among the groups gnomAD compares: Non-Finnish European, 0.012%; no homozygotes.

Submissions (2):

Labcorp Genetics (formerly Invitae), Labcorp
Classification: Likely benign for Epidermolysis bullosa simplex 3, localized or generalized intermediate, with BP230 deficiency; Hereditary sensory and autonomic neuropathy type 6. Last evaluated: 2025-12-29. Review status: criteria provided, single submitter. Criteria: Invitae Variant Classification Sherloc (09022015). Collection method: clinical testing. Allele origin: germline.

PreventionGenetics, part of Exact Sciences
Classification: Likely benign for DST-related condition. Last evaluated: 2025-12-29. Review status: criteria provided, single submitter. Criteria: ACMG Guidelines, 2015. Collection method: clinical testing. Allele origin: germline.
Comment: This variant is classified as likely benign based on ACMG/AMP sequence variant interpretation guidelines (Richards et al. 2015 PMID: 25741868, with internal and published modifications).

NM_001374736.1(DST):c.17235A>G (p.Ala5745=)

Gene: DST (dystonin; minus strand). Cytogenetic location: 6p12.1.
Variant type: single nucleotide variant.
Coding change: c.17235A>G on transcript NM_001374736.1 (MANE Select); coding-DNA position 17235, A replaced by G.
Protein change: p.Ala5745=; no amino-acid change (alanine 5745 retained).
Molecular consequence: synonymous variant.
Genome position (GRCh38, 1-based): chr6:56,530,007, T>C on the plus strand (A>G on the coding strand, the complement: DST is on the minus strand). VCF-style: chr6-56530007-T-C. GRCh37 (hg19) VCF-style: chr6-56394805-T-C.
Other names: c.10878A>G, p.Ala3626= (NM_001144769.5); c.10464A>G, p.Ala3488= (NM_001144770.2); c.17235A>G, p.Ala5745= (NM_001374722.1); c.16602A>G, p.Ala5534= (NM_001374729.1); c.10344A>G, p.Ala3448= (NM_001374730.1, NM_001386100.1, NM_183380.4); c.17262A>G, p.Ala5754= (NM_001374734.1); c.9366A>G, p.Ala3122= (NM_015548.5); c.10878A>G (NM_001144769.2).
Identifiers: ClinVar variation 1087494 (VCV001087494.10), dbSNP rs757658809, ClinGen allele CA3867486.
Genomic context (GRCh38, chr6:56,530,007, plus strand): 5'-CTCGCTAATGTGTGATTTATATCTTACTTTGTGCTGTGCAATTTGTTCCTCAAGTTTAGA[T>C]GCTTGGGTTCCTATGGGTTCACAATTCACCAGCCTCTTTTCTATGGTTGTAAGCCACTCG-3'
Protein context (NP_001361665.1, residues 5735-5755): LVNCEPIGTQ[Ala5745=]SKLEEQIAQH